The following is an entry in ClinVar:

NM_001370259.2(MEN1):c.429C>G (p.Leu143=)

Gene: MEN1 (menin 1; minus strand). Cytogenetic location: 11q13.1.
Variant type: single nucleotide variant.
Coding change: c.429C>G on transcript NM_001370259.2 (MANE Select); coding-DNA position 429, C replaced by G.
Protein change: p.Leu143=; no amino-acid change (leucine 143 retained).
Molecular consequence: synonymous variant. On other transcripts: non-coding transcript variant (4).
Genome position (GRCh38, 1-based): chr11:64,809,681, G>C on the plus strand (C>G on the coding strand, the complement: MEN1 is on the minus strand). VCF-style: chr11-64809681-G-C. GRCh37 (hg19) VCF-style: chr11-64577153-G-C.
Other names: c.429C>G, p.Leu143= (NM_000244.4, NM_001370251.2, NM_001370260.2 and 20 more transcripts).
Identifiers: ClinVar variation 2706041 (VCV002706041.5), dbSNP rs2136178098, ClinGen allele CA474983870.
Genomic context (GRCh38, chr11:64,809,681, plus strand): 5'-AAGAAGTGGGTCATGGATAAGATTCCCACCTACTGGGCTCCAACCTGTGATGAAGCTGAA[G>C]AGGGACTGGATGTGGGCCCGATCCTTGAAGTAGGAGCGGCTGAGGCTGTTCCATATGACA-3'
Protein context (NP_001357188.2, residues 133-153): YFKDRAHIQS[Leu143=]FSFITGTKLD

ClinVar aggregate classification (germline): Benign/Likely benign. Review status: criteria provided, multiple submitters, no conflicts (2 of 4 stars). 3 submissions from 3 submitters: Benign (1); Likely benign (2). Last evaluated 2026-02-17.

Conditions:
Multiple endocrine neoplasia, type 1 (MEN1). Also called: MEN I; WERMER SYNDROME; Endocrine adenomatosis multiple; MEN 1; MEA I. Identifiers: Orphanet 652, MedGen C0025267, MeSH D018761, MONDO:0007540, OMIM 131100.
Hereditary cancer-predisposing syndrome. Also called: Tumor predisposition; Hereditary Cancer Syndrome; Hereditary neoplastic syndrome; Neoplastic Syndromes, Hereditary. Identifiers: Orphanet 140162, MedGen C0027672, MeSH D009386, MONDO:0015356.

Submissions (3):

Ambry Genetics
Classification: Likely benign for Hereditary cancer-predisposing syndrome. Last evaluated: 2026-02-17. Review status: criteria provided, single submitter. Criteria: Ambry Variant Classification Scheme 2023. Collection method: clinical testing. Allele origin: germline.

Myriad Genetics, Inc.
Classification: Benign for Multiple endocrine neoplasia, type 1. Last evaluated: 2024-11-01. Review status: criteria provided, single submitter. Criteria: Myriad Autosomal Dominant, Autosomal Recessive and X-Linked Classification Criteria (2023). Collection method: clinical testing. Allele origin: unknown.
Comment: This variant is considered benign. This variant is a silent/synonymous amino acid change and it is not expected to impact splicing.

Labcorp Genetics (formerly Invitae), Labcorp
Classification: Likely benign for Multiple endocrine neoplasia, type 1. Last evaluated: 2023-06-09. Review status: criteria provided, single submitter. Criteria: Invitae Variant Classification Sherloc (09022015). Collection method: clinical testing. Allele origin: germline.